The following is an entry in ClinVar:

NM_003072.5(SMARCA4):c.2065A>T (p.Lys689Ter)

Gene: SMARCA4 (SWI/SNF related BAF chromatin remodeling complex subunit ATPase 4; plus strand). Cytogenetic location: 19p13.2.
Variant type: single nucleotide variant.
Coding change: c.2065A>T on transcript NM_003072.5 (MANE Select); coding-DNA position 2065, A replaced by T.
Protein change: p.Lys689Ter; replaces lysine 689 with a stop codon.
Molecular consequence: nonsense. On other transcripts: non-coding transcript variant (1).
Genome position (GRCh38, 1-based): chr19:11,007,965, A>T. VCF-style: chr19-11007965-A-T. GRCh37 (hg19) VCF-style: chr19-11118641-A-T.
Other names: c.2065A>T, p.Lys689Ter (NM_001128844.3, NM_001128845.2, NM_001128846.2 and 6 more transcripts); short protein forms K689*.
Identifiers: ClinVar variation 3958438 (VCV003958438.1).

ClinVar aggregate classification (germline): Pathogenic (1 of 4 stars; one submission).

Conditions:
Hereditary cancer-predisposing syndrome. Also called: Tumor predisposition; Hereditary neoplastic syndrome; Hereditary Cancer Syndrome; Neoplastic Syndromes, Hereditary. Identifiers: Orphanet 140162, MedGen C0027672, MeSH D009386, MONDO:0015356.

Submission:

Ambry Genetics
Classification: Pathogenic for Hereditary cancer-predisposing syndrome. Last evaluated: 2025-04-25. Review status: criteria provided, single submitter. Criteria: Ambry Variant Classification Scheme 2023. Collection method: clinical testing. Allele origin: germline.
Comment: The p.K689* pathogenic mutation (also known as c.2065A>T), located in coding exon 13 of the SMARCA4 gene, results from an A to T substitution at nucleotide position 2065. This changes the amino acid from a lysine to a stop codon within coding exon 13. This variant is considered to be rare based on population cohorts in the Genome Aggregation Database (gnomAD). This alteration is expected to result in loss of function by premature protein truncation or nonsense-mediated mRNA decay. Loss-of-function variants in SMARCA4 are known to cause rhabdoid tumor predisposition syndrome including small cell carcinoma of the ovary-hypercalcemic type (SCCOHT); however, such associations with neurodevelopmental disorders are exceedingly rare (Kosho T et al. Am J Med Genet C Semin Med Genet. 2014 Sep;166C(3):262-75; Jelinic P et al. Nat Genet. 2014 May;46(5):424-6). Based on the supporting evidence, this alteration is pathogenic for rhabdoid tumor predisposition syndrome; however, the association of this alteration with Coffin-Siris syndrome is unlikely.